The following is an entry in ClinVar:

ClinVar aggregate classification (germline): Conflicting classifications of pathogenicity. Review status: criteria provided, conflicting classifications (1 of 4 stars). 2 submissions from 2 submitters: Uncertain significance (1); Likely benign (1). Last evaluated 2025-02-16.

gnomAD v4.1: 72 of 1,199,803 alleles (0.006%); highest among the groups gnomAD compares: African/African-American, 0.0071%; no homozygotes.

Submissions (2):

Laboratory of Genetics, Children's Clinical University Hospital Latvia
Classification: Likely benign. Last evaluated: 2025-02-16. Review status: criteria provided, single submitter. Criteria: ACMG Guidelines, 2015. Collection method: clinical testing. Allele origin: germline. Affected: yes.

Women's Health and Genetics/Laboratory Corporation of America, LabCorp
Classification: Uncertain significance. Last evaluated: 2024-12-19. Review status: criteria provided, single submitter. Criteria: LabCorp Variant Classification Summary - May 2015. Collection method: clinical testing. Allele origin: germline.
Comment: Variant summary: WNK3 c.3841C>T (p.Arg1281Trp) results in a non-conservative amino acid change in the encoded protein sequence. Four of five in-silico tools predict a damaging effect of the variant on protein function. The variant allele was found at a frequency of 9e-05 in 167370 control chromosomes (gnomAD). This frequency is not significantly higher than estimated for a pathogenic variant in WNK3 causing WNK3-Related Disorders, allowing no conclusion about variant significance. c.3841C>T has been reported in the literature in one individual affected with microduplications/microdeletions of 1q21.1 are characterized by variable phenotypes ranging from normal development to developmental delay (DD) and congenital anomalies (Qiao_2017). The report does not provide unequivocal conclusions about association of the variant with WNK3-Related Disorders. To our knowledge, no experimental evidence demonstrating an impact on protein function has been reported. The following publication have been ascertained in the context of this evaluation (PMID: 28475290). No submitters have cited clinical-significance assessments for this variant to ClinVar. Based on the evidence outlined above, the variant was classified as uncertain significance.

Literature cited by the submitters: PubMed 28475290 (cited by Women's Health and Genetics/Laboratory Corporation of America, LabCorp).

NM_020922.5(WNK3):c.3841C>T (p.Arg1281Trp)

Gene: WNK3 (WNK lysine deficient protein kinase 3; minus strand). Cytogenetic location: Xp11.22.
Variant type: single nucleotide variant.
Coding change: c.3841C>T on transcript NM_020922.5 (MANE Select); coding-DNA position 3841, C replaced by T.
Protein change: p.Arg1281Trp; replaces arginine 1281 with tryptophan.
Molecular consequence: missense variant. On other transcripts: intron variant (2).
Genome position (GRCh38, 1-based): chrX:54,238,910, G>A on the plus strand (C>T on the coding strand, the complement: WNK3 is on the minus strand). VCF-style: chrX-54238910-G-A. GRCh37 (hg19) VCF-style: chrX-54265343-G-A.
Other names: c.3742+99C>T (NM_001395166.1, NM_001002838.4); short protein forms R1281W.
Identifiers: ClinVar variation 3768509 (VCV003768509.2).